The following is an entry in ClinVar:

NM_000088.4(COL1A1):c.3958G>A (p.Asp1320Asn)

Gene: COL1A1 (collagen type I alpha 1 chain; minus strand). Cytogenetic location: 17q21.33.
Variant type: single nucleotide variant.
Coding change: c.3958G>A on transcript NM_000088.4 (MANE Select); coding-DNA position 3958, G replaced by A.
Protein change: p.Asp1320Asn; replaces aspartic acid 1320 with asparagine.
Molecular consequence: missense variant.
Genome position (GRCh38, 1-based): chr17:50,186,364, C>T on the plus strand (G>A on the coding strand, the complement: COL1A1 is on the minus strand). VCF-style: chr17-50186364-C-T. GRCh37 (hg19) VCF-style: chr17-48263725-C-T.
Other names: short protein forms D1320N.
Identifiers: ClinVar variation 3704827 (VCV003704827.3).

ClinVar aggregate classification (germline): Conflicting classifications of pathogenicity. Review status: criteria provided, conflicting classifications (1 of 4 stars). 2 submissions from 2 submitters: Uncertain significance (1); Likely benign (1). Last evaluated 2025-12-03.

Conditions:
Cardiovascular phenotype. Identifiers: MedGen CN230736.
Osteogenesis imperfecta type I (OI1). Also called: Lobstein's Disease; Lobstein disease; OI, TYPE I; OSTEOGENESIS IMPERFECTA TARDA; OSTEOGENESIS IMPERFECTA WITH BLUE SCLERAE; Osteogenesis imperfecta type 1. Identifiers: Orphanet 216796, Orphanet 666, MedGen C0023931, MONDO:0008146, OMIM 166200. Disease mechanism: loss of function.

gnomAD v4.1: 8 of 1,614,114 alleles (0.0005%); highest among the groups gnomAD compares: Middle Eastern, 0.016%; no homozygotes.

Submissions (2):

Ambry Genetics
Classification: Uncertain significance for Cardiovascular phenotype. Last evaluated: 2025-12-03. Review status: criteria provided, single submitter. Criteria: Ambry Variant Classification Scheme 2023. Collection method: clinical testing. Allele origin: germline.
Comment: The p.D1320N variant (also known as c.3958G>A), located in coding exon 49 of the COL1A1 gene, results from a G to A substitution at nucleotide position 3958. The aspartic acid at codon 1320 is replaced by asparagine, an amino acid with highly similar properties. This amino acid position is poorly conserved in available vertebrate species. In addition, this alteration is predicted to be tolerated by in silico analysis. Based on the available evidence, the clinical significance of this variant remains unclear.

Labcorp Genetics (formerly Invitae), Labcorp
Classification: Likely benign for Osteogenesis imperfecta type I. Last evaluated: 2024-08-06. Review status: criteria provided, single submitter. Criteria: Invitae Variant Classification Sherloc (09022015). Collection method: clinical testing. Allele origin: germline.